The following is an entry in ClinVar:

ClinVar aggregate classification (germline): Benign/Likely benign. Review status: criteria provided, multiple submitters, no conflicts (2 of 4 stars). 5 submissions from 5 submitters: Benign (3); Likely benign (2). Last evaluated 2026-02-01.

Conditions:
Inborn genetic diseases. Identifiers: MedGen C0950123, MeSH D030342.

Allele frequency attached by ClinVar (database versions not stated): gnomAD exomes 0.00173; ExAC 0.00208; gnomAD 0.00610 and 0.00644; 1000 Genomes Project 30x 0.00625; 1000 Genomes Project 0.00659; TOPMed 0.00691; ESP Exome Variant Server 0.00784.
gnomAD v4.1: 1,919 of 1,614,094 alleles (0.12%); highest among the groups gnomAD compares: African/African-American, 2.1%; 22 homozygotes.

Submissions (6):

Labcorp Genetics (formerly Invitae), Labcorp
Classification: Benign. Last evaluated: 2026-02-01. Review status: criteria provided, single submitter. Criteria: Invitae Variant Classification Sherloc (09022015). Collection method: clinical testing. Allele origin: germline.

Mayo Clinic Laboratories, Mayo Clinic
Classification: Benign. Last evaluated: 2024-10-04. Review status: criteria provided, single submitter. Criteria: ACMG Guidelines, 2015. Collection method: clinical testing. Allele origin: germline. Observed: 6 variant alleles.
Comment: BS1, BS2, BP4, BP7

Ambry Genetics
Classification: Likely benign for Inborn genetic diseases. Last evaluated: 2024-08-21. Review status: criteria provided, single submitter. Criteria: Ambry Variant Classification Scheme 2023. Collection method: clinical testing. Allele origin: germline.

Genetic Services Laboratory, University of Chicago
Classification: Benign. Last evaluated: 2018-07-20. Review status: criteria provided, single submitter. Criteria: ACMG Guidelines, 2015. Collection method: clinical testing. Allele origin: germline. Affected: no.

Breakthrough Genomics
Classification: Likely benign. Review status: criteria provided, single submitter. Criteria: ACMG Guidelines, 2015. Collection method: not provided. Allele origin: germline. Inheritance: Autosomal dominant inheritance. Affected: yes.

Dr. Peter K. Rogan Lab, Western University
No classification provided (evidence only). Condition: Melanoma. Review status: no classification provided. Collection method: in vitro. Allele origin: not applicable. Functional consequence: skipped exon, retained intron. Not counted in ClinVar's aggregate classification.

NM_001987.5(ETV6):c.642G>A (p.Pro214=)

Gene: ETV6 (ETS variant transcription factor 6; plus strand). Cytogenetic location: 12p13.2.
Variant type: single nucleotide variant.
Coding change: c.642G>A on transcript NM_001987.5 (MANE Select); coding-DNA position 642, G replaced by A.
Protein change: p.Pro214=; no amino-acid change (proline 214 retained).
Molecular consequence: synonymous variant.
Genome position (GRCh38, 1-based): chr12:11,869,602, G>A. VCF-style: chr12-11869602-G-A. GRCh37 (hg19) VCF-style: chr12-12022536-G-A.
Other names: p.Pro214=.
Identifiers: ClinVar variation 1336291 (VCV001336291.12), dbSNP rs72550786, ClinGen allele CA6454310.